The following is an entry in ClinVar:

ClinVar aggregate classification (germline): Uncertain significance. Review status: criteria provided, multiple submitters, no conflicts (2 of 4 stars). 4 submissions from 4 submitters: Uncertain significance (4). Last evaluated 2025-12-09.

Conditions:
Polymerase proofreading-related adenomatous polyposis. Also called: Polymerase proofreading associated polyposis; Polymerase proofreading–associated polyposis (PPAP). Identifiers: Orphanet 447877, MedGen C5202613, MONDO:0018653.
Familial colorectal cancer type X. Identifiers: Orphanet 440437, MedGen C3896578, MONDO:0018604.
Hereditary cancer-predisposing syndrome. Also called: Tumor predisposition; Hereditary neoplastic syndrome; Neoplastic Syndromes, Hereditary; Hereditary Cancer Syndrome. Identifiers: Orphanet 140162, MedGen C0027672, MeSH D009386, MONDO:0015356.

Allele frequency attached by ClinVar (database versions not stated): gnomAD 0.00001; TOPMed 0.00001.
gnomAD v4.1: 5 of 1,613,850 alleles (0.00031%); highest among the groups gnomAD compares: Non-Finnish European, 0.00025%; no homozygotes.

Submissions (4):

Labcorp Genetics (formerly Invitae), Labcorp
Classification: Uncertain significance. Last evaluated: 2025-12-09. Review status: criteria provided, single submitter. Criteria: Invitae Variant Classification Sherloc (09022015). Collection method: clinical testing. Allele origin: germline.
Comment: This sequence change replaces isoleucine, which is neutral and non-polar, with valine, which is neutral and non-polar, at codon 2066 of the POLE protein (p.Ile2066Val). This variant is present in population databases (no rsID available, gnomAD 0.007%). This variant has not been reported in the literature in individuals affected with POLE-related conditions. ClinVar contains an entry for this variant (Variation ID: 847525). Invitae Evidence Modeling of protein sequence and biophysical properties (such as structural, functional, and spatial information, amino acid conservation, physicochemical variation, residue mobility, and thermodynamic stability) indicates that this missense variant is not expected to disrupt POLE protein function with a negative predictive value of 80%. In summary, the available evidence is currently insufficient to determine the role of this variant in disease. Therefore, it has been classified as a Variant of Uncertain Significance.

Ambry Genetics
Classification: Uncertain significance for Hereditary cancer-predisposing syndrome. Last evaluated: 2025-02-25. Review status: criteria provided, single submitter. Criteria: Ambry Variant Classification Scheme 2023. Collection method: clinical testing. Allele origin: germline.
Comment: The p.I2066V variant (also known as c.6196A>G), located in coding exon 45 of the POLE gene, results from an A to G substitution at nucleotide position 6196. The isoleucine at codon 2066 is replaced by valine, an amino acid with highly similar properties. This amino acid position is conserved. In addition, this alteration is predicted to be tolerated by in silico analysis. Based on the available evidence, the clinical significance of this variant remains unclear.

Department of Pathology and Laboratory Medicine, Sinai Health System
Classification: Uncertain significance for Polymerase proofreading-related adenomatous polyposis; Familial colorectal cancer type X. Last evaluated: 2023-03-07. Review status: criteria provided, single submitter. Criteria: ACMG Guidelines, 2015. Collection method: clinical testing. Allele origin: germline. Affected: yes.

Mendelics
Classification: Uncertain significance. Last evaluated: 2022-05-04. Review status: criteria provided, single submitter. Criteria: Mendelics Assertion Criteria 2019. Collection method: clinical testing. Allele origin: germline.

NM_006231.4(POLE):c.6196A>G (p.Ile2066Val)

Gene: POLE (DNA polymerase epsilon, catalytic subunit; minus strand). Cytogenetic location: 12q24.33.
Variant type: single nucleotide variant.
Coding change: c.6196A>G on transcript NM_006231.4 (MANE Select); coding-DNA position 6196, A replaced by G.
Protein change: p.Ile2066Val; replaces isoleucine 2066 with valine.
Molecular consequence: missense variant.
Genome position (GRCh38, 1-based): chr12:132,632,449, T>C on the plus strand (A>G on the coding strand, the complement: POLE is on the minus strand). VCF-style: chr12-132632449-T-C. GRCh37 (hg19) VCF-style: chr12-133209035-T-C.
Other names: short protein forms I2066V.
Identifiers: ClinVar variation 847525 (VCV000847525.12), dbSNP rs1266801207, ClinGen allele CA387369778.
Genomic context (GRCh38, chr12:132,632,449, plus strand): 5'-TCTCTGAGAGCTCAGTGGAGTTCCGAGAGCCTGTGACTTTCTTCTGAATCTTCTGAGTGA[T>C]GGTGAAGAAGCTCTGAGTGAGCTCATTTGCGACATAATCCTGAGAGAAGGTGATCATTCC-3'
Protein context (NP_006222.2, residues 2056-2076): ANELTQSFFT[Ile2066Val]TQKIQKKVTG